The following is an entry in ClinVar:

NM_016507.4(CDK12):c.1988G>A (p.Arg663His)

Gene: CDK12 (cyclin dependent kinase 12; plus strand). Cytogenetic location: 17q12.
Variant type: single nucleotide variant.
Coding change: c.1988G>A on transcript NM_016507.4 (MANE Select); coding-DNA position 1988, G replaced by A.
Protein change: p.Arg663His; replaces arginine 663 with histidine.
Molecular consequence: missense variant.
Genome position (GRCh38, 1-based): chr17:39,490,613, G>A. VCF-style: chr17-39490613-G-A. GRCh37 (hg19) VCF-style: chr17-37646866-G-A.
Other names: c.1988G>A, p.Arg663His (NM_015083.4); c.1988G>A (NM_016507.2); short protein forms R663H.
Identifiers: ClinVar variation 133872 (VCV000133872.2), dbSNP rs141353560, ClinGen allele CA158040.

ClinVar aggregate classification (germline): Uncertain significance. Review status: criteria provided, single submitter (1 of 4 stars). 2 submissions from 2 submitters: Uncertain significance (1). 1 of the submissions does not count toward it. Last evaluated 2024-10-02.

Allele frequency attached by ClinVar (database versions not stated): ExAC 0.00006; gnomAD exomes 0.00008 and 0.00041; TOPMed 0.00015; gnomAD 0.00016 and 0.00017; ESP Exome Variant Server 0.00031.
gnomAD v4.1: 612 of 1,613,514 alleles (0.038%); highest among the groups gnomAD compares: Non-Finnish European, 0.049%; 1 homozygote.

Submissions (2):

Ambry Genetics
Classification: Uncertain significance. Last evaluated: 2024-10-02. Review status: criteria provided, single submitter. Criteria: Ambry Variant Classification Scheme 2023. Collection method: clinical testing. Allele origin: germline.
Comment: The p.R663H variant (also known as c.1988G>A), located in coding exon 3 of the CDK12 gene, results from a G to A substitution at nucleotide position 1988. The arginine at codon 663 is replaced by histidine, an amino acid with highly similar properties. This amino acid position is conserved. In addition, the in silico prediction for this alteration is inconclusive. Based on the available evidence, the clinical significance of this variant remains unclear.

ITMI
No classification provided. Condition: AllHighlyPenetrant. Last evaluated: 2013-09-19. Review status: no classification provided. Collection method: reference population. Allele origin: germline. Not counted in ClinVar's aggregate classification.
Comment: Please see associated publication for description of ethnicities

Literature cited by the submitters: PubMed 24728327 (cited by ITMI).